The following is an entry in ClinVar:

NM_004064.5(CDKN1B):c.492C>T (p.Asn164=)

Gene: CDKN1B (cyclin dependent kinase inhibitor 1B; plus strand). Cytogenetic location: 12p13.1.
Variant type: single nucleotide variant.
Coding change: c.492C>T on transcript NM_004064.5 (MANE Select); coding-DNA position 492, C replaced by T.
Protein change: p.Asn164=; no amino-acid change (asparagine 164 retained).
Molecular consequence: synonymous variant.
Genome position (GRCh38, 1-based): chr12:12,718,841, C>T. VCF-style: chr12-12718841-C-T. GRCh37 (hg19) VCF-style: chr12-12871775-C-T.
Identifiers: ClinVar variation 239626 (VCV000239626.19), dbSNP rs762810555, ClinGen allele CA6457551.

ClinVar aggregate classification (germline): Conflicting classifications of pathogenicity. Review status: criteria provided, conflicting classifications (1 of 4 stars). 3 submissions from 3 submitters: Uncertain significance (1); Likely benign (2). Last evaluated 2025-12-22.

Conditions:
Hereditary cancer-predisposing syndrome. Also called: Neoplastic Syndromes, Hereditary; Tumor predisposition; Hereditary neoplastic syndrome; Hereditary Cancer Syndrome. Identifiers: Orphanet 140162, MedGen C0027672, MeSH D009386, MONDO:0015356.
Multiple endocrine neoplasia type 4. Also called: MULTIPLE ENDOCRINE NEOPLASIA, TYPE IV. Identifiers: Orphanet 276152, MedGen C1970712, MONDO:0012552, OMIM 610755.

Allele frequency attached by ClinVar (database versions not stated): ExAC 0.00001; gnomAD 0.00001; gnomAD exomes 0.00003; TOPMed 0.00004.

Submissions (3):

Labcorp Genetics (formerly Invitae), Labcorp
Classification: Likely benign for Multiple endocrine neoplasia type 4. Last evaluated: 2025-12-22. Review status: criteria provided, single submitter. Criteria: Invitae Variant Classification Sherloc (09022015). Collection method: clinical testing. Allele origin: germline.

Quest Diagnostics Nichols Institute San Juan Capistrano
Classification: Uncertain significance. Last evaluated: 2025-04-17. Review status: criteria provided, single submitter. Criteria: Quest Diagnostics criteria. Collection method: clinical testing. Allele origin: unknown.
Comment: The CDKN1B c.492C>T (p.Asn164=) synonymous variant has not been reported in individuals with CDKN1B-related conditions in the published literature. The frequency of this variant in the general population (Genome Aggregation Database) is uninformative in the assessment of its pathogenicity. Analysis of this variant using software algorithms for the prediction of the effect of nucleotide changes on splicing yielded predictions that this variant does not affect CDKN1B mRNA splicing. Based on the available information, we are unable to determine the clinical significance of this variant.

Ambry Genetics
Classification: Likely benign for Hereditary cancer-predisposing syndrome. Last evaluated: 2018-03-21. Review status: criteria provided, single submitter. Criteria: Ambry Variant Classification Scheme 2023. Collection method: clinical testing. Allele origin: germline.